The following is an entry in ClinVar:

NM_001142800.2(EYS):c.6816_6817del (p.Glu2272fs)

Gene: EYS (EGF-like photoreceptor maintenance factor; minus strand). Cytogenetic location: 6q12.
Variant type: Microsatellite.
Coding change: c.6816_6817del on transcript NM_001142800.2 (MANE Select); coding-DNA positions 6816 to 6817, 2 bases deleted (GA; older notation c.6816_6817delGA).
Protein change: p.Glu2272fs; shifts the reading frame from glutamic acid 2272.
Molecular consequence: frameshift variant.
Genome position (GRCh38, 1-based): chr6:63,999,092-63,999,093, TC deleted on the plus strand (GA on the coding strand, the reverse complement: EYS is on the minus strand); deleting any 2 consecutive bases within chr6:63,999,092-63,999,096 gives the same sequence; the c. name uses the placement nearest the transcript's 3' end. VCF-style (leftmost placement, unchanged base first): chr6-63999091-ATC-A. GRCh37 (hg19) VCF-style: chr6-64708984-ATC-A.
Other names: c.6816_6817del, p.Glu2272fs (NM_001292009.2); short protein forms E2272fs.
Identifiers: ClinVar variation 1444056 (VCV001444056.6), dbSNP rs2149802264, ClinGen allele CA2580617277.
Genomic context (GRCh38, chr6:63,999,091, plus strand): 5'-TGAGGGCACAATTAGTGTTTGGAACTGGATATTTGCATACCTACCTGAGAGGCATGGGAA[ATC>A]TCTGTGTCTTTCTTCTGTACTGGAGGTTTTCCATCTGCAGTCATTTCAATCATACAAACA-3'

ClinVar aggregate classification (germline): Pathogenic (1 of 4 stars; one submission).

Submission:

Labcorp Genetics (formerly Invitae), Labcorp
Classification: Pathogenic. Last evaluated: 2021-09-25. Review status: criteria provided, single submitter. Criteria: Invitae Variant Classification Sherloc (09022015). Collection method: clinical testing. Allele origin: germline.
Comment: This variant has not been reported in the literature in individuals affected with EYS-related conditions. This variant is not present in population databases (ExAC no frequency). This sequence change creates a premature translational stop signal (p.Glu2272Aspfs*10) in the EYS gene. It is expected to result in an absent or disrupted protein product. Loss-of-function variants in EYS are known to be pathogenic (PMID: 18836446, 20333770). For these reasons, this variant has been classified as Pathogenic.

Literature cited by the submitters: PubMed 18836446; PubMed 20333770.